The following is an entry in ClinVar:

ClinVar aggregate classification (germline): Conflicting classifications of pathogenicity. Review status: criteria provided, conflicting classifications (1 of 4 stars). 2 submissions from 2 submitters: Uncertain significance (1); Likely benign (1). Last evaluated 2024-07-14.

Conditions:
Cardiovascular phenotype. Identifiers: MedGen CN230736.
Long QT syndrome (LQTS). Identifiers: MedGen C0023976, MeSH D008133, MONDO:0002442. Disease mechanism: loss of function. Inheritance: Various modes of inheritance.

Allele frequency attached by ClinVar (database versions not stated): gnomAD exomes 0.00001; ExAC 0.00002; gnomAD 0.00003; TOPMed 0.00004; ESP Exome Variant Server 0.00008.
gnomAD v4.1: 14 of 1,606,416 alleles (0.00087%); highest among the groups gnomAD compares: African/African-American, 0.0054%; no homozygotes.

Submissions (2):

Labcorp Genetics (formerly Invitae), Labcorp
Classification: Uncertain significance for Long QT syndrome. Last evaluated: 2024-07-14. Review status: criteria provided, single submitter. Criteria: Invitae Variant Classification Sherloc (09022015). Collection method: clinical testing. Allele origin: germline.
Comment: This sequence change replaces asparagine, which is neutral and polar, with serine, which is neutral and polar, at codon 1313 of the AKAP9 protein (p.Asn1313Ser). This variant is present in population databases (rs149641207, gnomAD 0.02%). This variant has not been reported in the literature in individuals affected with AKAP9-related conditions. ClinVar contains an entry for this variant (Variation ID: 1736303). An algorithm developed to predict the effect of missense changes on protein structure and function outputs the following: PolyPhen-2: "Benign". The serine amino acid residue is found in multiple mammalian species, which suggests that this missense change does not adversely affect protein function. In summary, the available evidence is currently insufficient to determine the role of this variant in disease. Therefore, it has been classified as a Variant of Uncertain Significance.

Ambry Genetics
Classification: Likely benign for Cardiovascular phenotype. Last evaluated: 2022-08-30. Review status: criteria provided, single submitter. Criteria: Ambry Variant Classification Scheme 2023. Collection method: clinical testing. Allele origin: germline.

NM_005751.5(AKAP9):c.3938A>G (p.Asn1313Ser)

Gene: AKAP9 (A-kinase anchoring protein 9; plus strand). Cytogenetic location: 7q21.2.
Variant type: single nucleotide variant.
Coding change: c.3938A>G on transcript NM_005751.5 (MANE Select); coding-DNA position 3938, A replaced by G.
Protein change: p.Asn1313Ser; replaces asparagine 1313 with serine.
Molecular consequence: missense variant.
Genome position (GRCh38, 1-based): chr7:92,022,338, A>G. VCF-style: chr7-92022338-A-G. GRCh37 (hg19) VCF-style: chr7-91651652-A-G.
Other names: c.3938A>G, p.Asn1313Ser (NM_147185.3); short protein forms N1313S.
Identifiers: ClinVar variation 1736303 (VCV001736303.4), dbSNP rs149641207, ClinGen allele CA4336431.